The following is an entry in ClinVar:

NM_052947.4(ALPK2):c.4248G>C (p.Arg1416Ser)

Genes: ALPK2 (alpha kinase 2; minus strand), LOC126862764 (BRD4-independent group 4 enhancer GRCh37_chr18:56202574-56203773; plus strand). Cytogenetic location: 18q21.31.
Variant type: single nucleotide variant.
Coding change: c.4248G>C on transcript NM_052947.4 (MANE Select); coding-DNA position 4248, G replaced by C.
Protein change: p.Arg1416Ser; replaces arginine 1416 with serine.
Molecular consequence: missense variant.
Genome position (GRCh38, 1-based): chr18:58,535,939, C>G on the plus strand (G>C on the coding strand, the complement: ALPK2 is on the minus strand). VCF-style: chr18-58535939-C-G. GRCh37 (hg19) VCF-style: chr18-56203171-C-G.
Other names: short protein forms R1416S.
Identifiers: ClinVar variation 1739047 (VCV001739047.2), dbSNP rs2518875131, ClinGen allele CA402563507.

ClinVar aggregate classification (germline): Uncertain significance (1 of 4 stars; one submission).

Submission:

Ambry Genetics
Classification: Uncertain significance. Last evaluated: 2022-07-27. Review status: criteria provided, single submitter. Criteria: Ambry Variant Classification Scheme 2023. Collection method: clinical testing. Allele origin: germline.
Comment: The p.R1416S variant (also known as c.4248G>C), located in coding exon 4 of the ALPK2 gene, results from a G to C substitution at nucleotide position 4248. The arginine at codon 1416 is replaced by serine, an amino acid with dissimilar properties. This amino acid position is conserved. In addition, this alteration is predicted to be tolerated by in silico analysis. Since supporting evidence is limited at this time, the clinical significance of this alteration remains unclear.